The following is an entry in ClinVar:

ClinVar aggregate classification (germline): Uncertain significance. Review status: criteria provided, multiple submitters, no conflicts (2 of 4 stars). 2 submissions from 2 submitters: Uncertain significance (2). Last evaluated 2025-12-15.

Conditions:
Congenital contractural arachnodactyly (CCA). Also called: BEALS SYNDROME; Beals-Hecht syndrome; Arthrogryposis, distal, type 9. Identifiers: Orphanet 115, MedGen C0220668, MONDO:0007363, OMIM 121050.
Familial thoracic aortic aneurysm and aortic dissection (TAAD). Also called: Thoracic aortic aneurysms and dissections. Identifiers: Orphanet 91387, MedGen C4707243, MONDO:0019625.

Submissions (2):

Ambry Genetics
Classification: Uncertain significance for Familial thoracic aortic aneurysm and aortic dissection. Last evaluated: 2025-12-15. Review status: criteria provided, single submitter. Criteria: Ambry Variant Classification Scheme 2023. Collection method: clinical testing. Allele origin: germline.

Labcorp Genetics (formerly Invitae), Labcorp
Classification: Uncertain significance for Congenital contractural arachnodactyly. Last evaluated: 2019-09-19. Review status: criteria provided, single submitter. Criteria: Invitae Variant Classification Sherloc (09022015). Collection method: clinical testing. Allele origin: germline.
Comment: In summary, the available evidence is currently insufficient to determine the role of this variant in disease. Therefore, it has been classified as a Variant of Uncertain Significance. Algorithms developed to predict the effect of missense changes on protein structure and function are either unavailable or do not agree on the potential impact of this missense change (SIFT: "Deleterious"; PolyPhen-2: "Benign"; Align-GVGD: "Class C65"). This variant has not been reported in the literature in individuals with FBN2-related conditions. This variant is not present in population databases (ExAC no frequency). This sequence change replaces threonine with isoleucine at codon 1441 of the FBN2 protein (p.Thr1441Ile). The threonine residue is highly conserved and there is a moderate physicochemical difference between threonine and isoleucine.

NM_001999.4(FBN2):c.4322C>T (p.Thr1441Ile)

Gene: FBN2 (fibrillin 2; minus strand). Cytogenetic location: 5q23.3.
Variant type: single nucleotide variant.
Coding change: c.4322C>T on transcript NM_001999.4 (MANE Select); coding-DNA position 4322, C replaced by T.
Protein change: p.Thr1441Ile; replaces threonine 1441 with isoleucine.
Molecular consequence: missense variant.
Genome position (GRCh38, 1-based): chr5:128,330,596, G>A on the plus strand (C>T on the coding strand, the complement: FBN2 is on the minus strand). VCF-style: chr5-128330596-G-A. GRCh37 (hg19) VCF-style: chr5-127666288-G-A.
Other names: short protein forms T1441I.
Identifiers: ClinVar variation 961735 (VCV000961735.11), dbSNP rs1750666696, ClinGen allele CA360753883.